The following is an entry in ClinVar:

ClinVar aggregate classification (germline): Uncertain significance (1 of 4 stars; one submission).

Conditions:
Deficiency of ferroxidase (ACEP). Also called: Aceruloplasminemia; Deficiency of ceruloplasmin; NEURODEGENERATION WITH BRAIN IRON ACCUMULATION 10; Ceruloplasmin deficiency; Familial apoceruloplasmin deficiency; Hereditary ceruloplasmin deficiency. Identifiers: Orphanet 48818, MedGen C0878682, MONDO:0011426, OMIM 604290, HP:0025498.

Allele frequency attached by ClinVar (database versions not stated): gnomAD exomes below 0.00001 and 0.00001; gnomAD 0.00001; ExAC 0.00002.
gnomAD v4.1: 6 of 1,613,992 alleles (0.00037%); highest among the groups gnomAD compares: East Asian, 0.0067%; no homozygotes.

Submission:

Labcorp Genetics (formerly Invitae), Labcorp
Classification: Uncertain significance for Deficiency of ferroxidase. Last evaluated: 2020-08-22. Review status: criteria provided, single submitter. Criteria: Invitae Variant Classification Sherloc (09022015). Collection method: clinical testing. Allele origin: germline.
Comment: This variant has not been reported in the literature in individuals with CP-related conditions. This variant is present in population databases (rs748447606, ExAC 0.01%). This sequence change replaces glycine with arginine at codon 469 of the CP protein (p.Gly469Arg). The glycine residue is moderately conserved and there is a moderate physicochemical difference between glycine and arginine. Algorithms developed to predict the effect of missense changes on protein structure and function are either unavailable or do not agree on the potential impact of this missense change (SIFT: "Deleterious"; PolyPhen-2: "Probably Damaging"; Align-GVGD: "Class C15"). In summary, the available evidence is currently insufficient to determine the role of this variant in disease. Therefore, it has been classified as a Variant of Uncertain Significance.

NM_000096.4(CP):c.1405G>A (p.Gly469Arg)

Gene: CP (ceruloplasmin; minus strand). Cytogenetic location: 3q24.
Variant type: single nucleotide variant.
Coding change: c.1405G>A on transcript NM_000096.4 (MANE Select); coding-DNA position 1405, G replaced by A.
Protein change: p.Gly469Arg; replaces glycine 469 with arginine.
Molecular consequence: missense variant. On other transcripts: non-coding transcript variant (1).
Genome position (GRCh38, 1-based): chr3:149,199,808, C>T on the plus strand (G>A on the coding strand, the complement: CP is on the minus strand). VCF-style: chr3-149199808-C-T. GRCh37 (hg19) VCF-style: chr3-148917595-C-T.
Other names: short protein forms G469R.
Identifiers: ClinVar variation 1041761 (VCV001041761.7), dbSNP rs748447606, ClinGen allele CA2661031.